The following is an entry in ClinVar:

ClinVar aggregate classification (germline): Likely pathogenic. Review status: criteria provided, multiple submitters, no conflicts (2 of 4 stars). 2 submissions from 2 submitters: Likely pathogenic (2). Last evaluated 2023-05-17.

Conditions:
Cardiovascular phenotype. Identifiers: MedGen CN230736.
Dilated cardiomyopathy 1G (CMD1G). Identifiers: Orphanet 154, MedGen C1858763, MONDO:0011400, OMIM 604145.
Autosomal recessive limb-girdle muscular dystrophy type 2J (LGMDR10). Also called: Limb-girdle muscular dystrophy, type 2J; MUSCULAR DYSTROPHY, LIMB-GIRDLE, AUTOSOMAL RECESSIVE 10. Identifiers: Orphanet 140922, MedGen C1837342, MONDO:0012127, OMIM 608807.

Submissions (2):

Labcorp Genetics (formerly Invitae), Labcorp
Classification: Likely pathogenic for Dilated cardiomyopathy 1G; Autosomal recessive limb-girdle muscular dystrophy type 2J. Last evaluated: 2023-05-17. Review status: criteria provided, single submitter. Criteria: Invitae Variant Classification Sherloc (09022015). Collection method: clinical testing. Allele origin: germline.
Comment: In summary, the currently available evidence indicates that the variant is pathogenic, but additional data are needed to prove that conclusively. Therefore, this variant has been classified as Likely Pathogenic. This variant is located in the A band of TTN (PMID: 25589632). Truncating variants in this region are significantly overrepresented in patients affected with dilated cardiomyopathy (PMID: 25589632). Truncating variants in this region have also been reported in individuals affected with autosomal recessive centronuclear myopathy (PMID: 23975875). ClinVar contains an entry for this variant (Variation ID: 1757060). This variant has not been reported in the literature in individuals affected with TTN-related conditions. This variant is not present in population databases (gnomAD no frequency). This sequence change creates a premature translational stop signal (p.Gly32691Glufs*26) in the TTN gene. While this is not anticipated to result in nonsense mediated decay, it is expected to disrupt the last 3301 amino acid(s) of the TTN protein.

Ambry Genetics
Classification: Likely pathogenic for Cardiovascular phenotype. Last evaluated: 2021-12-09. Review status: criteria provided, single submitter. Criteria: Ambry Variant Classification Scheme 2023. Collection method: clinical testing. Allele origin: germline.
Comment: The c.70877delG variant, located in coding exon 178 of the TTN gene, results from a deletion of one nucleotide at nucleotide position 70877, causing a translational frameshift with a predicted alternate stop codon p.(Gly23626Glufs*26). This exon is located in the A-band region of the N2-B isoform of the titin protein and is constitutively expressed in TTN transcripts (percent spliced in or PSI 100%). This variant is considered to be rare based on population cohorts in the Genome Aggregation Database (gnomAD). This alteration is expected to result in loss of function by premature protein truncation or nonsense-mediated mRNA decay. While truncating variants in TTN are present in 1-3% of the general population, truncating variants in the A-band are the most common cause of dilated cardiomyopathy (DCM) (Herman DS et al. N. Engl. J. Med., 2012 Feb;366:619-28; Roberts AM et al. Sci Transl Med, 2015 Jan;7:270ra6). TTN truncating variants encoded in constitutive exons (PSI >90%) have been found to be significantly associated with DCM regardless of their position in titin (Schafer S et al. Nat. Genet., 2017 01;49:46-53). As such, this alteration is classified as likely pathogenic.

Literature cited by the submitters: PubMed 25589632 (cited by Labcorp Genetics (formerly Invitae), Labcorp); PubMed 23975875 (cited by Labcorp Genetics (formerly Invitae), Labcorp).

NM_001267550.2(TTN):c.98072del (p.Gly32691fs)

Genes: TTN (titin; minus strand), TTN-AS1 (TTN antisense RNA 1; plus strand). Cytogenetic location: 2q31.2.
Variant type: Deletion.
Coding change: c.98072del on transcript NM_001267550.2 (MANE Select); coding-DNA position 98072, one base deleted (G; older notation c.98072delG).
Protein change: p.Gly32691fs; shifts the reading frame from glycine 32691.
Molecular consequence: frameshift variant.
Genome position (GRCh38, 1-based): chr2:178,540,094, C deleted on the plus strand (G on the coding strand, the reverse complement: TTN is on the minus strand); the first of 2 consecutive C bases (chr2:178,540,094-178,540,095); deleting either gives the same sequence. VCF-style (leftmost placement, unchanged base first): chr2-178540093-TC-T. GRCh37 (hg19) VCF-style: chr2-179404820-TC-T.
Other names: c.70877delG (NM_003319.4); c.93149del, p.Gly31050fs (NM_001256850.1); c.70877del, p.Gly23626fs (NM_003319.4); c.90368del, p.Gly30123fs (NM_133378.4); c.71252del, p.Gly23751fs (NM_133432.3); c.71453del, p.Gly23818fs (NM_133437.4); short protein forms G31050fs, G23626fs, G23751fs, G23818fs, G30123fs, G32691fs.
Identifiers: ClinVar variation 1757060 (VCV001757060.5), dbSNP rs2468791370, ClinGen allele CA2580064760.